The following is an entry in ClinVar:

NM_006912.6(RIT1):c.231T>C (p.Ala77=)

Gene: RIT1 (Ras like without CAAX 1; minus strand). Cytogenetic location: 1q22.
Variant type: single nucleotide variant.
Coding change: c.231T>C on transcript NM_006912.6 (MANE Select); coding-DNA position 231, T replaced by C.
Protein change: p.Ala77=; no amino-acid change (alanine 77 retained).
Molecular consequence: synonymous variant.
Genome position (GRCh38, 1-based): chr1:155,904,737, A>G on the plus strand (T>C on the coding strand, the complement: RIT1 is on the minus strand). VCF-style: chr1-155904737-A-G. GRCh37 (hg19) VCF-style: chr1-155874528-A-G.
Other names: c.123T>C, p.Ala41= (NM_001256820.2); c.282T>C, p.Ala94= (NM_001256821.2); c.282T>C (NM_001256821.1).
Identifiers: ClinVar variation 701984 (VCV000701984.10), dbSNP rs144170253, ClinGen allele CA1151860.

ClinVar aggregate classification (germline): Likely benign. Review status: criteria provided, multiple submitters, no conflicts (2 of 4 stars). 4 submissions from 4 submitters: Likely benign (3). 1 of the submissions does not count toward it. Last evaluated 2025-11-17.

Conditions:
Noonan syndrome 8 (NS8). Identifiers: Orphanet 648, MedGen C3809233, MONDO:0014143, OMIM 615355.
RIT1-related disorder. Also called: RIT1-related condition.
Cardiovascular phenotype. Identifiers: MedGen CN230736.

Allele frequency attached by ClinVar (database versions not stated): gnomAD exomes below 0.00001; ExAC 0.00001; gnomAD 0.00003 and 0.00004; TOPMed 0.00006; ESP Exome Variant Server 0.00008.
gnomAD v4.1: 6 of 1,609,568 alleles (0.00037%); highest among the groups gnomAD compares: Middle Eastern, 0.016%; no homozygotes.

Submissions (4):

Labcorp Genetics (formerly Invitae), Labcorp
Classification: Likely benign for Noonan syndrome 8. Last evaluated: 2025-11-17. Review status: criteria provided, single submitter. Criteria: Invitae Variant Classification Sherloc (09022015). Collection method: clinical testing. Allele origin: germline.

Genome-Nilou Lab
Classification: Likely benign for Noonan syndrome 8. Last evaluated: 2023-04-11. Review status: criteria provided, single submitter. Criteria: ACMG Guidelines, 2015. Collection method: clinical testing. Allele origin: germline. Affected: no.

Ambry Genetics
Classification: Likely benign for Cardiovascular phenotype. Last evaluated: 2019-11-11. Review status: criteria provided, single submitter. Criteria: Ambry Variant Classification Scheme 2023. Collection method: clinical testing. Allele origin: germline.

PreventionGenetics, part of Exact Sciences
Classification: Likely benign for RIT1-related condition. Last evaluated: 2023-03-09. Review status: no assertion criteria provided. Collection method: clinical testing. Allele origin: germline. Not counted in ClinVar's aggregate classification.
Comment: This variant is classified as likely benign based on ACMG/AMP sequence variant interpretation guidelines (Richards et al. 2015 PMID: 25741868, with internal and published modifications).